The following is an entry in ClinVar:

NM_012203.2(GRHPR):c.509G>A (p.Arg170Gln)

Gene: GRHPR (glyoxylate and hydroxypyruvate reductase; plus strand). Cytogenetic location: 9p13.2.
Variant type: single nucleotide variant.
Coding change: c.509G>A on transcript NM_012203.2 (MANE Select); coding-DNA position 509, G replaced by A.
Protein change: p.Arg170Gln; replaces arginine 170 with glutamine.
Molecular consequence: missense variant.
Genome position (GRCh38, 1-based): chr9:37,429,747, G>A. VCF-style: chr9-37429747-G-A. GRCh37 (hg19) VCF-style: chr9-37429744-G-A.
Other names: p.Arg170Gln; short protein forms R170Q.
Identifiers: ClinVar variation 780801 (VCV000780801.17), dbSNP rs12002324, ClinGen allele CA5059133.

ClinVar aggregate classification (germline): Benign/Likely benign. Review status: criteria provided, multiple submitters, no conflicts (2 of 4 stars). 5 submissions from 5 submitters: Benign (2); Likely benign (2). 1 of the submissions does not count toward it. Last evaluated 2026-01-31.

Conditions:
Primary hyperoxaluria, type II (HP2). Also called: Primary hyperoxaluria type 2; D-GLYCERATE DEHYDROGENASE DEFICIENCY; GLYCERIC ACIDURIA; GLYOXYLATE REDUCTASE/HYDROXYPYRUVATE REDUCTASE DEFICIENCY; OXALOSIS II. Identifiers: Orphanet 416, Orphanet 93599, MedGen C0268165, MONDO:0009824, OMIM 260000. Disease mechanism: loss of function.

Allele frequency attached by ClinVar (database versions not stated): gnomAD exomes 0.00301; ExAC 0.00370; 1000 Genomes Project 0.01038; gnomAD 0.01126 and 0.01219; 1000 Genomes Project 30x 0.01171; TOPMed 0.01281; ESP Exome Variant Server 0.01299.
gnomAD v4.1: 3,317 of 1,612,232 alleles (0.21%); highest among the groups gnomAD compares: African/African-American, 3.8%; 65 homozygotes.

Submissions (5):

Labcorp Genetics (formerly Invitae), Labcorp
Classification: Benign. Last evaluated: 2026-01-31. Review status: criteria provided, single submitter. Criteria: Invitae Variant Classification Sherloc (09022015). Collection method: clinical testing. Allele origin: germline.

Mayo Clinic Laboratories, Mayo Clinic
Classification: Benign. Last evaluated: 2025-08-22. Review status: criteria provided, single submitter. Criteria: ACMG Guidelines, 2015. Collection method: clinical testing. Allele origin: germline. Observed: 2 variant alleles.
Comment: BS1, BS2, BP4_moderate

Illumina Laboratory Services, Illumina
Classification: Likely benign for Primary hyperoxaluria, type II. Last evaluated: 2017-04-27. Review status: criteria provided, single submitter. Criteria: ICSL Variant Classification Criteria 13 December 2019. Collection method: clinical testing. Allele origin: germline.
Comment: This variant was observed as part of a predisposition screen in an ostensibly healthy population. A literature search was performed for the gene, cDNA change, and amino acid change (where applicable). No publications were found based on this search. Allele frequency data from public databases allowed determination this variant is unlikely to cause disease. Therefore, this variant is classified as likely benign.

Breakthrough Genomics
Classification: Likely benign. Review status: criteria provided, single submitter. Criteria: ACMG Guidelines, 2015. Collection method: not provided. Allele origin: germline. Inheritance: Autosomal recessive inheritance. Affected: yes.

Natera, Inc.
Classification: Benign for Primary hyperoxaluria type II. Last evaluated: 2019-11-22. Review status: no assertion criteria provided. Collection method: clinical testing. Allele origin: germline. Not counted in ClinVar's aggregate classification.